The following is an entry in ClinVar:

NM_024407.5(NDUFS7):c.17-1167C>G

Gene: NDUFS7 (NADH:ubiquinone oxidoreductase core subunit S7; plus strand). Cytogenetic location: 19p13.3.
Variant type: single nucleotide variant.
Coding change: c.17-1167C>G on transcript NM_024407.5 (MANE Select); 1167 bases into the intron before coding-DNA position 17, C replaced by G.
Molecular consequence: intron variant.
Genome position (GRCh38, 1-based): chr19:1,386,644, C>G. VCF-style: chr19-1386644-C-G. GRCh37 (hg19) VCF-style: chr19-1386643-C-G.
Other names: IVS1AS, C-G, -1167; c.17-1167C>G (NM_001363602.2).
Identifiers: ClinVar variation 7683 (VCV000007683.3), dbSNP rs1568985256, ClinGen allele CA891844320.
Genomic context (GRCh38, chr19:1,386,644, plus strand): 5'-CCTCCCGGGTTCAAGTGATTCTCCTGCCTCAGCCTCTCGAGTAGCTGGGATTACAGGTAC[C>G]TGCTACTACACCCAGCTAATTTTTGTATTTTTAGTAGAGACGGGGTTTCACCATGTTGCC-3'

ClinVar aggregate classification (germline): Likely pathogenic. Review status: criteria provided, single submitter (1 of 4 stars). 2 submissions from 2 submitters: Likely pathogenic (1). 1 of the submissions does not count toward it. Last evaluated 2024-04-02.

Conditions:
Mitochondrial complex I deficiency, nuclear type 3. Also called: Mitochondrial complex 1 deficiency, nuclear type 3. Identifiers: MedGen C4748752, MONDO:0032608, OMIM 618224.
Leigh syndrome (NULS). Also called: Leigh's necrotizing encephalopathy; Leigh's disease; Leigh Disease; Subacute necrotizing encephalopathy; Necrotizing encephalopathy infantile subacute of Leigh; Leigh Syndrome (mtDNA deletion). Identifiers: Orphanet 506, MedGen C2931891, MONDO:0009723, OMIM 256000.

Submissions (2):

Women's Health and Genetics/Laboratory Corporation of America, LabCorp
Classification: Likely pathogenic for Leigh syndrome. Last evaluated: 2024-04-02. Review status: criteria provided, single submitter. Criteria: LabCorp Variant Classification Summary - May 2015. Collection method: clinical testing. Allele origin: germline.
Comment: Variant summary: NDUFS7 c.17-1167C>G is located at a position not widely known to affect splicing. Several computational tools predict a significant impact on normal splicing: Four predict the variant strengthens a cryptic 5' splicing donor site. However, these predictions have yet to be confirmed by functional studies. The variant was absent in 31372 control chromosomes. c.17-1167C>G has been reported in the literature in two homozygous siblings affected with Leigh Syndrome (Lebon_2007). These data indicate that the variant is likely to be associated with disease. At least one publication reports experimental evidence evaluating an impact on protein function. The most pronounced variant effect results in a defect in mitochondrial complex I assembly (Lebon_2007) and using cell lines derived from these patients, Lebon_2015 showed that the variant had 35% NADH ubiquinone reductase activity compared to wildtype. The following publications have been ascertained in the context of this evaluation (PMID: 17604671, 26024641). ClinVar contains an entry for this variant (Variation ID: 7683). Based on the evidence outlined above, the variant was classified as likely pathogenic.

OMIM
Classification: Pathogenic for MITOCHONDRIAL COMPLEX I DEFICIENCY, NUCLEAR TYPE 3. Last evaluated: 2007-09-01. Review status: no assertion criteria provided. Collection method: literature only. Allele origin: germline. Not counted in ClinVar's aggregate classification.

Literature cited by the submitters: PubMed 26024641 (cited by Women's Health and Genetics/Laboratory Corporation of America, LabCorp); PubMed 17604671 (cited by Women's Health and Genetics/Laboratory Corporation of America, LabCorp and OMIM).